The following is an entry in ClinVar:

ClinVar aggregate classification (germline): Pathogenic. Review status: criteria provided, multiple submitters, no conflicts (2 of 4 stars). 3 submissions from 3 submitters: Pathogenic (2). 1 of the submissions does not count toward it. Last evaluated 2026-09-07.

Conditions:
Autosomal recessive congenital ichthyosis 5 (ARCI5). Also called: ICHTHYOSIS CONGENITA III; Ichthyosis, nonlamellar and nonerythrodermic, congenital, autosomal recessive. Identifiers: Orphanet 313, MedGen C1858133, MONDO:0011485, OMIM 604777.
Ichthyosis and erythrokeratoderma.

Submissions (3):

Genetics Laboratory, Great Ormond Street Hospital NHS Foundation Trust, North Thames Genomic Laboratory Hub
Classification: Pathogenic for Ichthyosis and erythrokeratoderma. Last evaluated: 2026-09-07. Review status: criteria provided, single submitter. Criteria: ACGS Best Practice Guidelines for Variant Classification in Rare Disease 2024 v1.2. Collection method: clinical testing. Allele origin: germline. Affected: yes.
Comment: PM2_moderate, PVS1_very-strong

GeneDx
Classification: Pathogenic. Last evaluated: 2018-11-14. Review status: criteria provided, single submitter. Criteria: GeneDx Variant Classification (06012015). Collection method: clinical testing. Allele origin: germline. Affected: yes.
Comment: The c.720_723delTGTC variant in the CYP4F22 gene has been reported previously in the presence of another CYP4F22 frameshift variant in an individual with autosomal recessive congenital ichthyosis (Hotz et al., 2018). The c.720_723delTGTC variant causes a frameshift starting with codon Valine 241, changes this amino acid to a Glycine residue, and creates a premature Stop codon at position 128 of the new reading frame, denoted p.Val241GlyfsX128. This variant is predicted to cause loss of normal protein function either through protein truncation or nonsense-mediated mRNA decay. The c.720_723delTGTC variant is not observed at a significant frequency in large population cohorts (Lek et al., 2016). We interpret c.720_723delTGTC as a pathogenic variant.

Institute for Human Genetics, University Medical Center Freiburg
Classification: Pathogenic for Autosomal recessive congenital ichthyosis 5. Last evaluated: 2018-04-23. Review status: no assertion criteria provided. Collection method: clinical testing. Allele origin: germline. Affected: yes. Not counted in ClinVar's aggregate classification.

Literature cited by the submitters: PubMed 30011118 (cited by Institute for Human Genetics, University Medical Center Freiburg).

NM_173483.4(CYP4F22):c.720_723del (p.Val241fs)

Gene: CYP4F22 (cytochrome P450 family 4 subfamily F member 22; plus strand). Cytogenetic location: 19p13.12.
Variant type: Microsatellite.
Coding change: c.720_723del on transcript NM_173483.4 (MANE Select); coding-DNA positions 720 to 723, 4 bases deleted (TGTC; older notation c.720_723delTGTC).
Protein change: p.Val241fs; shifts the reading frame from valine 241.
Molecular consequence: frameshift variant.
Genome position (GRCh38, 1-based): chr19:15,540,498-15,540,501, TGTC deleted; deleting any 4 consecutive bases within chr19:15,540,492-15,540,501 gives the same sequence; the c. name uses the placement nearest the transcript's 3' end. VCF-style (leftmost placement, unchanged base first): chr19-15540491-CTCTG-C. GRCh37 (hg19) VCF-style: chr19-15651302-CTCTG-C.
Other names: c.720_723delTGTC (NM_173483.3); short protein forms V241fs.
Identifiers: ClinVar variation 560316 (VCV000560316.4), dbSNP rs751937099, ClinGen allele CA9269683.
Genomic context (GRCh38, chr19:15,540,491, plus strand): 5'-ATCCCCTTCTCCTTGGCAGGAAGATGAGTGATTATATCTCCGCTATCATTGAACTGAGCG[CTCTG>C]TCTGTCCGGCGCCAGTATCGCTTGCACCACTACCTCGACTTCATTTACTACCGCTCGGCG-3'